The following is an entry in ClinVar:

NM_001261826.3(AP3D1):c.1979C>T (p.Ala660Val)

Gene: AP3D1 (adaptor related protein complex 3 subunit delta 1; minus strand). Cytogenetic location: 19p13.3.
Variant type: single nucleotide variant.
Coding change: c.1979C>T on transcript NM_001261826.3 (MANE Select); coding-DNA position 1979, C replaced by T.
Protein change: p.Ala660Val; replaces alanine 660 with valine.
Molecular consequence: missense variant.
Genome position (GRCh38, 1-based): chr19:2,116,627, G>A on the plus strand (C>T on the coding strand, the complement: AP3D1 is on the minus strand). VCF-style: chr19-2116627-G-A. GRCh37 (hg19) VCF-style: chr19-2116626-G-A.
Other names: c.1979C>T, p.Ala660Val (NM_001374799.1, NM_003938.8); short protein forms A660V.
Identifiers: ClinVar variation 2884606 (VCV002884606.3), dbSNP rs374995503, ClinGen allele CA9059099.

ClinVar aggregate classification (germline): Uncertain significance (1 of 4 stars; one submission).

Allele frequency attached by ClinVar (database versions not stated): ExAC 0.00002; gnomAD exomes 0.00002; TOPMed 0.00002; gnomAD 0.00004; ESP Exome Variant Server 0.00008.
gnomAD v4.1: 37 of 1,599,026 alleles (0.0023%); highest among the groups gnomAD compares: African/African-American, 0.011%; no homozygotes.

Submission:

Labcorp Genetics (formerly Invitae), Labcorp
Classification: Uncertain significance. Last evaluated: 2023-11-20. Review status: criteria provided, single submitter. Criteria: Invitae Variant Classification Sherloc (09022015). Collection method: clinical testing. Allele origin: germline.
Comment: This sequence change replaces alanine, which is neutral and non-polar, with valine, which is neutral and non-polar, at codon 660 of the AP3D1 protein (p.Ala660Val). The frequency data for this variant in the population databases is considered unreliable, as metrics indicate poor data quality at this position in the gnomAD database. This variant has not been reported in the literature in individuals affected with AP3D1-related conditions. Algorithms developed to predict the effect of missense changes on protein structure and function output the following: SIFT: "Not Available"; PolyPhen-2: "Benign"; Align-GVGD: "Not Available". The valine amino acid residue is found in multiple mammalian species, which suggests that this missense change does not adversely affect protein function. In summary, the available evidence is currently insufficient to determine the role of this variant in disease. Therefore, it has been classified as a Variant of Uncertain Significance.